The following is an entry in ClinVar:

ClinVar aggregate classification (germline): Uncertain significance (1 of 4 stars; one submission).

Conditions:
Cardiovascular phenotype. Identifiers: MedGen CN230736.

Allele frequency attached by ClinVar (database versions not stated): TOPMed below 0.00001.

Submission:

Ambry Genetics
Classification: Uncertain significance for Cardiovascular phenotype. Last evaluated: 2024-01-01. Review status: criteria provided, single submitter. Criteria: Ambry Variant Classification Scheme 2023. Collection method: clinical testing. Allele origin: germline.
Comment: The p.E13K variant (also known as c.37G>A), located in coding exon 1 of the SOS2 gene, results from a G to A substitution at nucleotide position 37. The glutamic acid at codon 13 is replaced by lysine, an amino acid with similar properties. This amino acid position is conserved. In addition, the in silico prediction for this alteration is inconclusive. Since supporting evidence is limited at this time, the clinical significance of this alteration remains unclear.

NM_006939.4(SOS2):c.37G>A (p.Glu13Lys)

Genes: SOS2 (SOS Ras/Rho guanine nucleotide exchange factor 2; minus strand), LOC130055588 (ATAC-STARR-seq lymphoblastoid silent region 5718; plus strand). Cytogenetic location: 14q21.3.
Variant type: single nucleotide variant.
Coding change: c.37G>A on transcript NM_006939.4 (MANE Select); coding-DNA position 37, G replaced by A.
Protein change: p.Glu13Lys; replaces glutamic acid 13 with lysine.
Molecular consequence: missense variant.
Genome position (GRCh38, 1-based): chr14:50,231,247, C>T on the plus strand (G>A on the coding strand, the complement: SOS2 is on the minus strand). VCF-style: chr14-50231247-C-T. GRCh37 (hg19) VCF-style: chr14-50697965-C-T.
Other names: c.37G>A, p.Glu13Lys (NM_001411020.1); short protein forms E13K.
Identifiers: ClinVar variation 3225969 (VCV003225969.1), dbSNP rs1887535959, ClinGen allele CA389657569.